The following is an entry in ClinVar:

NM_000264.5(PTCH1):c.2929T>C (p.Tyr977His)

Gene: PTCH1 (patched 1; minus strand). Cytogenetic location: 9q22.32.
Variant type: single nucleotide variant.
Coding change: c.2929T>C on transcript NM_000264.5 (MANE Select); coding-DNA position 2929, T replaced by C.
Protein change: p.Tyr977His; replaces tyrosine 977 with histidine.
Molecular consequence: missense variant. On other transcripts: non-coding transcript variant (1).
Genome position (GRCh38, 1-based): chr9:95,458,252, A>G on the plus strand (T>C on the coding strand, the complement: PTCH1 is on the minus strand). VCF-style: chr9-95458252-A-G. GRCh37 (hg19) VCF-style: chr9-98220534-A-G.
Other names: c.2731T>C, p.Tyr911His (NM_001083602.3); c.2926T>C, p.Tyr976His (NM_001083603.3); c.2476T>C, p.Tyr826His (NM_001083604.3, NM_001083605.3, NM_001083606.3 and 1 more transcripts); c.2773T>C, p.Tyr925His (NM_001354918.2); short protein forms Y911H, Y977H, Y925H, Y826H, Y976H.
Identifiers: ClinVar variation 135887 (VCV000135887.11), dbSNP rs587780700, ClinGen allele CA332521.

ClinVar aggregate classification (germline): Conflicting classifications of pathogenicity. Review status: criteria provided, conflicting classifications (1 of 4 stars). 2 submissions from 2 submitters: Uncertain significance (1); Likely benign (1). Last evaluated 2026-07-30.

Conditions:
Hereditary cancer-predisposing syndrome. Also called: Tumor predisposition; Hereditary neoplastic syndrome; Hereditary Cancer Syndrome; Neoplastic Syndromes, Hereditary. Identifiers: Orphanet 140162, MedGen C0027672, MeSH D009386, MONDO:0015356.
Gorlin syndrome. Also called: Nevoid Basal Cell Carcinoma Syndrome; Basal cell nevus syndrome. Identifiers: Orphanet 377, MedGen C0004779, MONDO:0007187.

Allele frequency attached by ClinVar (database versions not stated): gnomAD exomes 0.00001; ExAC 0.00002.
gnomAD v4.1: 7 of 1,614,096 alleles (0.00043%); highest among the groups gnomAD compares: South Asian, 0.0055%; no homozygotes.

Submissions (2):

Ambry Genetics
Classification: Uncertain significance for Hereditary cancer-predisposing syndrome. Last evaluated: 2026-07-30. Review status: criteria provided, single submitter. Criteria: Ambry Variant Classification Scheme 2023. Collection method: clinical testing. Allele origin: germline.
Comment: The p.Y977H variant (also known as c.2929T>C), located in coding exon 18 of the PTCH1 gene, results from a T to C substitution at nucleotide position 2929. The tyrosine at codon 977 is replaced by histidine, an amino acid with similar properties. This amino acid position is conserved. In addition, this alteration is predicted to be deleterious by in silico analysis. Based on the available evidence, the clinical significance of this variant remains unclear.

Labcorp Genetics (formerly Invitae), Labcorp
Classification: Likely benign for Gorlin syndrome. Last evaluated: 2025-10-26. Review status: criteria provided, single submitter. Criteria: Invitae Variant Classification Sherloc (09022015). Collection method: clinical testing. Allele origin: germline.